The following is an entry in ClinVar:

ClinVar aggregate classification (germline): Uncertain significance. Review status: criteria provided, multiple submitters, no conflicts (2 of 4 stars). 2 submissions from 2 submitters: Uncertain significance (2). Last evaluated 2022-08-13.

Conditions:
Dystonic disorder. Also called: Dystonia. Identifiers: MedGen C0013421, MONDO:0003441, HP:0001332.

Allele frequency attached by ClinVar (database versions not stated): ExAC 0.00001; gnomAD exomes 0.00001; gnomAD 0.00002; TOPMed 0.00003; ESP Exome Variant Server 0.00008.

Submissions (2):

Labcorp Genetics (formerly Invitae), Labcorp
Classification: Uncertain significance for Dystonic disorder. Last evaluated: 2022-08-13. Review status: criteria provided, single submitter. Criteria: Invitae Variant Classification Sherloc (09022015). Collection method: clinical testing. Allele origin: germline.
Comment: This variant has not been reported in the literature in individuals affected with ANO3-related conditions. This sequence change affects a donor splice site in intron 21 of the ANO3 gene. It is expected to disrupt RNA splicing. Variants that disrupt the donor or acceptor splice site typically lead to a loss of protein function (PMID: 16199547), however the current clinical and genetic evidence is not sufficient to establish whether loss-of-function variants in ANO3 cause disease. This variant is present in population databases (rs142586107, gnomAD 0.007%). ClinVar contains an entry for this variant (Variation ID: 1675454). Algorithms developed to predict the effect of sequence changes on RNA splicing suggest that this variant may disrupt the consensus splice site. In summary, the available evidence is currently insufficient to determine the role of this variant in disease. Therefore, it has been classified as a Variant of Uncertain Significance.

CeGaT Center for Human Genetics Tuebingen
Classification: Uncertain significance. Last evaluated: 2022-08-01. Review status: criteria provided, single submitter. Criteria: CeGaT Center For Human Genetics Tuebingen Variant Classification Criteria Version 2. Collection method: clinical testing. Allele origin: germline. Affected: yes. Observed: 3 variant alleles.

Literature cited by the submitters: PubMed 16199547 (cited by Labcorp Genetics (formerly Invitae), Labcorp).

NM_031418.4(ANO3):c.2141+1G>A

Gene: ANO3 (anoctamin 3; plus strand). Cytogenetic location: 11p14.2.
Variant type: single nucleotide variant.
Coding change: c.2141+1G>A on transcript NM_031418.4 (MANE Select); the canonical splice donor site of the intron after coding-DNA position 2141, G replaced by A.
Molecular consequence: splice donor variant.
Genome position (GRCh38, 1-based): chr11:26,639,242, G>A. VCF-style: chr11-26639242-G-A. GRCh37 (hg19) VCF-style: chr11-26660789-G-A.
Other names: c.2324+1G>A (NM_001313726.2); c.1703+1G>A (NM_001313727.2).
Identifiers: ClinVar variation 1675454 (VCV001675454.38), dbSNP rs142586107, ClinGen allele CA5926420.
Genomic context (GRCh38, chr11:26,639,242, plus strand): 5'-GATGGGTGTCATCATGTTTTTGAAGCAAATATGGAACAACTTCATGGAACTAGGATACCC[G>A]TGAGCACATTATTTTCAAACTTGCCTTATGTCTAGTTACAAAGAGGAAAGCTAGAGGTGG-3'